The following is an entry in ClinVar:

NM_001083926.2(ASRGL1):c.910_911del (p.Ile304fs)

Gene: ASRGL1 (asparaginase and isoaspartyl peptidase 1; plus strand). Cytogenetic location: 11q12.3.
Variant type: Deletion.
Coding change: c.910_911del on transcript NM_001083926.2 (MANE Select); coding-DNA positions 910 to 911, 2 bases deleted (AT; older notation c.910_911delAT).
Protein change: p.Ile304fs; shifts the reading frame from isoleucine 304.
Molecular consequence: frameshift variant.
Genome position (GRCh38, 1-based): chr11:62,392,267-62,392,268, AT deleted; deleting any 2 consecutive bases within chr11:62,392,266-62,392,268 gives the same sequence; the c. name uses the placement nearest the transcript's 3' end. VCF-style (leftmost placement, unchanged base first): chr11-62392265-CTA-C. GRCh37 (hg19) VCF-style: chr11-62159737-CTA-C.
Other names: c.910_911del, p.Ile304fs (NM_025080.4); short protein forms I304fs.
Identifiers: ClinVar variation 1967970 (VCV001967970.5), dbSNP rs1947358903, ClinGen allele CA938654403.

ClinVar aggregate classification (germline): Uncertain significance (1 of 4 stars; one submission).

Submission:

Labcorp Genetics (formerly Invitae), Labcorp
Classification: Uncertain significance. Last evaluated: 2024-04-22. Review status: criteria provided, single submitter. Criteria: Invitae Variant Classification Sherloc (09022015). Collection method: clinical testing. Allele origin: germline.
Comment: This sequence change results in a frameshift in the ASRGL1 gene (p.Ile304Hisfs*17). While this is not anticipated to result in nonsense mediated decay, it is expected to disrupt the last 5 amino acid(s) of the ASRGL1 protein and extend the protein by 11 additional amino acid residues. This variant is not present in population databases (gnomAD no frequency). This variant has not been reported in the literature in individuals affected with ASRGL1-related conditions. ClinVar contains an entry for this variant (Variation ID: 1967970). Experimental studies and prediction algorithms are not available or were not evaluated, and the functional significance of this variant is currently unknown. In summary, the available evidence is currently insufficient to determine the role of this variant in disease. Therefore, it has been classified as a Variant of Uncertain Significance.